The following is an entry in ClinVar:

ClinVar aggregate classification (germline): Conflicting classifications of pathogenicity. Review status: criteria provided, conflicting classifications (1 of 4 stars). 2 submissions from 2 submitters: Pathogenic (1); Uncertain significance (1). Last evaluated 2026-05-05.

Conditions:
Cardiovascular phenotype. Identifiers: MedGen CN230736.
Dilated cardiomyopathy 1II (CMD1II). Identifiers: Orphanet 154, MedGen C3554649, MONDO:0014073, OMIM 615184.

Allele frequency attached by ClinVar (database versions not stated): gnomAD exomes 0.00001.
gnomAD v4.1: 11 of 1,614,230 alleles (0.00068%); highest among the groups gnomAD compares: Non-Finnish European, 0.00093%; no homozygotes.

Submissions (2):

Ambry Genetics
Classification: Uncertain significance for Cardiovascular phenotype. Last evaluated: 2026-05-05. Review status: criteria provided, single submitter. Criteria: Ambry Variant Classification Scheme 2023. Collection method: clinical testing. Allele origin: germline.
Comment: The p.E99* variant (also known as c.295G>T), located in coding exon 2 of the CRYAB gene, results from a G to T substitution at nucleotide position 295. This changes the amino acid from a glutamic acid to a stop codon within coding exon 2. This alteration occurs at the 3' terminus of theCRYAB gene, is not expected to trigger nonsense-mediated mRNAdecay, and impacts the last 76 amino acids (>45%) of the protein. However, the exact functional impact of these removed amino acids is unknown at this time. In addition, loss of function of CRYAB has not been clearly established as a mechanism of disease. Based on the available evidence, the clinical significance of this variant remains unclear.

Labcorp Genetics (formerly Invitae), Labcorp
Classification: Pathogenic for Dilated cardiomyopathy 1II. Last evaluated: 2025-11-08. Review status: criteria provided, single submitter. Criteria: Invitae Variant Classification Sherloc (09022015). Collection method: clinical testing. Allele origin: germline.
Comment: This sequence change creates a premature translational stop signal (p.Glu99*) in the CRYAB gene. While this is not anticipated to result in nonsense mediated decay, it is expected to disrupt the last 77 amino acid(s) of the CRYAB protein. This variant is not present in population databases (gnomAD no frequency). This variant has not been reported in the literature in individuals affected with CRYAB-related conditions. ClinVar contains an entry for this variant (Variation ID: 1074961). This variant disrupts a region of the CRYAB protein in which other variant(s) (p.Ser115Profs*14) have been determined to be pathogenic (PMID: 21130652, 27226619; internal data). This suggests that this is a clinically significant region of the protein, and that variants that disrupt it are likely to be disease-causing. For these reasons, this variant has been classified as Pathogenic.

Literature cited by the submitters: PubMed 14681890 (cited by Ambry Genetics); PubMed 21130652 (cited by Labcorp Genetics (formerly Invitae), Labcorp); PubMed 27226619 (cited by Labcorp Genetics (formerly Invitae), Labcorp).

NM_001289808.2(CRYAB):c.295G>T (p.Glu99Ter)

Gene: CRYAB (crystallin alpha B; minus strand). Cytogenetic location: 11q23.1.
Variant type: single nucleotide variant.
Coding change: c.295G>T on transcript NM_001289808.2 (MANE Select); coding-DNA position 295, G replaced by T.
Protein change: p.Glu99Ter; replaces glutamic acid 99 with a stop codon.
Molecular consequence: nonsense.
Genome position (GRCh38, 1-based): chr11:111,910,356, C>A on the plus strand (G>T on the coding strand, the complement: CRYAB is on the minus strand). VCF-style: chr11-111910356-C-A. GRCh37 (hg19) VCF-style: chr11-111781080-C-A.
Other names: c.295G>T, p.Glu99Ter (NM_001289807.1, NM_001368245.1, NM_001885.3); c.94G>T, p.Glu32Ter (NM_001330379.1, NM_001368246.1); short protein forms E32*, E99*.
Identifiers: ClinVar variation 1074961 (VCV001074961.12), dbSNP rs1965414571, ClinGen allele CA382599135.